The following is an entry in ClinVar:

ClinVar aggregate classification (germline): Pathogenic/Likely pathogenic. Review status: criteria provided, multiple submitters, no conflicts (2 of 4 stars). 2 submissions from 2 submitters: Pathogenic (1); Likely pathogenic (1). Last evaluated 2026-10-02.

Submissions (2):

GeneDx
Classification: Pathogenic. Last evaluated: 2026-10-02. Review status: criteria provided, single submitter. Criteria: GeneDx Variant Classification Process June 2021. Collection method: clinical testing. Allele origin: germline.
Comment: Not observed at significant frequency in large population cohorts (gnomAD); In-frame deletion of 1 amino acid(s) in a non-repeat region; In silico analysis supports a deleterious effect on protein structure/function; This variant is associated with the following publications: (PMID: 35982160, 35982159)

Labcorp Genetics (formerly Invitae), Labcorp
Classification: Likely pathogenic. Last evaluated: 2023-09-28. Review status: criteria provided, single submitter. Criteria: Invitae Variant Classification Sherloc (09022015). Collection method: clinical testing. Allele origin: germline.
Comment: This variant, c.1195_1197del, results in the deletion of 1 amino acid(s) of the ATP2B2 protein (p.Phe399del), but otherwise preserves the integrity of the reading frame. This variant is not present in population databases (gnomAD no frequency). This variant has been observed in individual(s) with a neurodevelopmental disorder (Invitae). In at least one individual the variant was observed to be de novo. ClinVar contains an entry for this variant (Variation ID: 451205). Experimental studies and prediction algorithms are not available or were not evaluated, and the functional significance of this variant is currently unknown. In summary, the currently available evidence indicates that the variant is pathogenic, but additional data are needed to prove that conclusively. Therefore, this variant has been classified as Likely Pathogenic.

NM_001001331.4(ATP2B2):c.1327TTC[1] (p.Phe444del)

Gene: ATP2B2 (ATPase plasma membrane Ca2+ transporting 2; minus strand). Cytogenetic location: 3p25.3.
Variant type: Microsatellite.
Coding change: c.1327TTC[1] on transcript NM_001001331.4 (MANE Select); one copy of the 3-base unit TTC starting at c.1327; the reference has two copies in a row; one copy, 3 bases deleted.
Protein change: p.Phe444del; deletes phenylalanine 444.
Molecular consequence: inframe deletion.
Genome position (GRCh38, 1-based): chr3:10,375,514-10,375,516, GAA deleted on the plus strand (TTC on the coding strand, the reverse complement: ATP2B2 is on the minus strand); deleting any 3 consecutive bases within chr3:10,375,514-10,375,519 gives the same sequence; the position shown is the placement nearest the transcript's 3' end. VCF-style (leftmost placement, unchanged base first): chr3-10375513-TGAA-T. GRCh37 (hg19) VCF-style: chr3-10417197-TGAA-T.
Other names: c.1192TTC[1], p.Phe399del (NM_001330611.3, NM_001353564.1, NM_001363862.1 and 1 more transcripts); c.1195_1197del (NM_001683.3); short protein forms F399del, F444del.
Identifiers: ClinVar variation 451205 (VCV000451205.15), dbSNP rs1553564078, ClinGen allele CA658657275.
Genomic context (GRCh38, chr3:10,375,513, plus strand): 5'-TGGTGACGGCCAGAGGGAGCCCCTCGGGCACGGCGACCACCAGCACCGTCACGCCAATGA[TGAA>T]GAACTTGACAAAGTACTGCACGTAGACGGGCGTGCACTCAGGCAGCCACGGCTTCTTGTT-3'